The following is an entry in ClinVar:

NM_182961.4(SYNE1):c.16236+9A>G

Gene: SYNE1 (spectrin repeat containing nuclear envelope protein 1; minus strand). Cytogenetic location: 6q25.2.
Variant type: single nucleotide variant.
Coding change: c.16236+9A>G on transcript NM_182961.4 (MANE Select); 9 bases into the intron after coding-DNA position 16236, A replaced by G.
Molecular consequence: intron variant.
Genome position (GRCh38, 1-based): chr6:152,321,229, T>C on the plus strand (A>G on the coding strand, the complement: SYNE1 is on the minus strand). VCF-style: chr6-152321229-T-C. GRCh37 (hg19) VCF-style: chr6-152642364-T-C.
Other names: c.16023+9A>G (NM_033071.5).
Identifiers: ClinVar variation 2684034 (VCV002684034.1), dbSNP rs2484009528, ClinGen allele CA2680824096.

ClinVar aggregate classification (germline): Uncertain significance (1 of 4 stars; one submission).

Allele frequency attached by ClinVar (database versions not stated): gnomAD exomes below 0.00001.
gnomAD v4.1: 1 of 1,613,538 alleles (0.000062%); highest among the groups gnomAD compares: African/African-American, 0.0013%; no homozygotes.

Submission:

Athena Diagnostics
Classification: Uncertain significance. Last evaluated: 2022-10-18. Review status: criteria provided, single submitter. Criteria: Athena Diagnostics Criteria. Collection method: clinical testing. Allele origin: unknown.
Comment: Available data are insufficient to determine the clinical significance of the variant at this time. This variant has not been reported in large, multi-ethnic general populations. Computational tools yielded predictions that this variant is unlikely to have an effect on normal RNA splicing.